The following is an entry in ClinVar:

NM_000179.3(MSH6):c.162G>C (p.Gly54=)

Gene: MSH6 (mutS homolog 6; plus strand). Cytogenetic location: 2p16.3.
Variant type: single nucleotide variant.
Coding change: c.162G>C on transcript NM_000179.3 (MANE Select); coding-DNA position 162, G replaced by C.
Protein change: p.Gly54=; no amino-acid change (glycine 54 retained).
Molecular consequence: synonymous variant. On other transcripts: 5 prime UTR variant (7), missense variant (1), non-coding transcript variant (5), intron variant (5).
Genome position (GRCh38, 1-based): chr2:47,783,395, G>C. VCF-style: chr2-47783395-G-C. GRCh37 (hg19) VCF-style: chr2-48010534-G-C.
Other names: c.162G>C, p.Gly54= (NM_001281492.2, NM_001406795.1, NM_001406796.1 and 9 more transcripts); c.-575G>C (NM_001281493.2, NM_001406811.1); c.-167G>C (NM_001406799.1); c.107G>C, p.Gly36Ala (NM_001406804.1); c.-767G>C (NM_001406807.1); c.-422G>C (NM_001406812.1); c.-833G>C (NM_001406814.1); c.-378G>C (NM_001406816.1); and 3 more; short protein forms G36A.
Identifiers: ClinVar variation 2567489 (VCV002567489.3), dbSNP rs1572698241, ClinGen allele CA346734970.

ClinVar aggregate classification (germline): Benign/Likely benign. Review status: criteria provided, multiple submitters, no conflicts (2 of 4 stars). 2 submissions from 2 submitters: Benign (1); Likely benign (1). Last evaluated 2024-12-17.

Conditions:
Hereditary cancer-predisposing syndrome. Also called: Hereditary neoplastic syndrome; Hereditary Cancer Syndrome; Neoplastic Syndromes, Hereditary; Tumor predisposition. Identifiers: Orphanet 140162, MedGen C0027672, MeSH D009386, MONDO:0015356.
Lynch syndrome 5 (LYNCH5). Also called: Hereditary non-polyposis colorectal cancer, type 5; Colorectal cancer, hereditary nonpolyposis, type 5. Identifiers: Orphanet 144, MedGen C1833477, MONDO:0013710, OMIM 614350. Disease mechanism: loss of function.

Submissions (2):

Myriad Genetics, Inc.
Classification: Benign for Lynch syndrome 5. Last evaluated: 2024-12-17. Review status: criteria provided, single submitter. Criteria: Myriad Autosomal Dominant, Autosomal Recessive and X-Linked Classification Criteria (2023). Collection method: clinical testing. Allele origin: unknown.
Comment: This variant is considered benign. This variant is a silent/synonymous amino acid change and it is not expected to impact splicing.

Ambry Genetics
Classification: Likely benign for Hereditary cancer-predisposing syndrome. Last evaluated: 2023-05-28. Review status: criteria provided, single submitter. Criteria: Ambry Variant Classification Scheme 2023. Collection method: clinical testing. Allele origin: germline.